The following is an entry in ClinVar:

ClinVar aggregate classification (germline): Uncertain significance. Review status: criteria provided, multiple submitters, no conflicts (2 of 4 stars). 2 submissions from 2 submitters: Uncertain significance (2). Last evaluated 2024-10-07.

Conditions:
Marinesco-Sjögren syndrome (MSS). Also called: Marinesco-Sjogren Syndrome; Marinesco-SjÃ¶gren syndrome. Identifiers: Orphanet 559, MedGen C0024814, MONDO:0009567, OMIM 248800.

Submissions (2):

Revvity Omics, Revvity
Classification: Uncertain significance for Marinesco-Sjögren syndrome. Last evaluated: 2024-10-07. Review status: criteria provided, single submitter. Criteria: ACMG Guidelines, 2015. Collection method: clinical testing. Allele origin: germline.

Labcorp Genetics (formerly Invitae), Labcorp
Classification: Uncertain significance for Marinesco-Sjögren syndrome. Last evaluated: 2022-11-08. Review status: criteria provided, single submitter. Criteria: Invitae Variant Classification Sherloc (09022015). Collection method: clinical testing. Allele origin: germline.
Comment: In summary, the available evidence is currently insufficient to determine the role of this variant in disease. Therefore, it has been classified as a Variant of Uncertain Significance. Algorithms developed to predict the effect of sequence changes on RNA splicing suggest that this variant may disrupt the consensus splice site. Experimental studies and prediction algorithms are not available or were not evaluated, and the functional significance of this variant is currently unknown. This variant has not been reported in the literature in individuals affected with SIL1-related conditions. This variant is present in population databases (rs762225113, gnomAD 0.003%). This variant, c.1027_1029del, results in the deletion of 1 amino acid(s) of the SIL1 protein (p.Lys343del), but otherwise preserves the integrity of the reading frame.

NM_022464.5(SIL1):c.1025_1027delAGA (p.Lys343del)

Gene: SIL1 (SIL1 nucleotide exchange factor; minus strand). Cytogenetic location: 5q31.2.
Variant type: Deletion.
Coding change: c.1025_1027delAGA on transcript NM_022464.5 (MANE Select); coding-DNA positions 1025 to 1027, AGA deleted.
Protein change: p.Lys343del; deletes lysine 343.
Molecular consequence: inframe deletion.
Genome position: GRCh38 VCF-style: chr5-138951170-CCTT-C. GRCh37 (hg19) VCF-style: chr5-138286859-CCTT-C.
Other names: c.1025_1027delAGA, p.Lys343del (NM_001037633.2); c.1027_1029del (NM_022464.5); short protein forms K343del.
Identifiers: ClinVar variation 2049361 (VCV002049361.3), dbSNP rs762225113, ClinGen allele CA3432409.